The following is an entry in ClinVar:

NM_001113378.2(FANCI):c.1556T>C (p.Leu519Pro)

Gene: FANCI (FA complementation group I; plus strand). Cytogenetic location: 15q26.1.
Variant type: single nucleotide variant.
Coding change: c.1556T>C on transcript NM_001113378.2 (MANE Select); coding-DNA position 1556, T replaced by C.
Protein change: p.Leu519Pro; replaces leucine 519 with proline.
Molecular consequence: missense variant.
Genome position (GRCh38, 1-based): chr15:89,281,808, T>C. VCF-style: chr15-89281808-T-C. GRCh37 (hg19) VCF-style: chr15-89825039-T-C.
Other names: c.1277T>C, p.Leu426Pro (NM_001376910.1); c.1556T>C, p.Leu519Pro (NM_001376911.1, NM_018193.3); short protein forms L519P, L426P.
Identifiers: ClinVar variation 526366 (VCV000526366.8), dbSNP rs998713167, ClinGen allele CA274560909.

ClinVar aggregate classification (germline): Uncertain significance. Review status: criteria provided, multiple submitters, no conflicts (2 of 4 stars). 2 submissions from 2 submitters: Uncertain significance (2). Last evaluated 2024-11-26.

Conditions:
Inborn genetic diseases. Identifiers: MedGen C0950123, MeSH D030342.
Fanconi anemia (FA). Also called: Fanconi's anemia. Identifiers: Orphanet 84, MedGen C0015625, MeSH D005199, MONDO:0019391.

Allele frequency attached by ClinVar (database versions not stated): gnomAD exomes below 0.00001; TOPMed below 0.00001.
gnomAD v4.1: 3 of 1,613,958 alleles (0.00019%); highest among the groups gnomAD compares: African/African-American, 0.0027%; no homozygotes.

Submissions (2):

Ambry Genetics
Classification: Uncertain significance for Inborn genetic diseases. Last evaluated: 2024-11-26. Review status: criteria provided, single submitter. Criteria: Ambry Variant Classification Scheme 2023. Collection method: clinical testing. Allele origin: germline.

Labcorp Genetics (formerly Invitae), Labcorp
Classification: Uncertain significance for Fanconi anemia. Last evaluated: 2017-08-25. Review status: criteria provided, single submitter. Criteria: Invitae Variant Classification Sherloc (09022015). Collection method: clinical testing. Allele origin: germline.
Comment: This sequence change replaces leucine with proline at codon 519 of the FANCI protein (p.Leu519Pro). The leucine residue is highly conserved and there is a moderate physicochemical difference between leucine and proline. This variant is not present in population databases (ExAC no frequency). This variant has not been reported in the literature in individuals with FANCI-related disease. Algorithms developed to predict the effect of missense changes on protein structure and function do not agree on the potential impact of this missense change (SIFT: "Tolerated"; PolyPhen-2: "Probably Damaging"; Align-GVGD: "Class C0"). In summary, the available evidence is currently insufficient to determine the role of this variant in disease. Therefore, it has been classified as a Variant of Uncertain Significance.